The following is an entry in ClinVar:

NM_015978.3(TNNI3K):c.859A>C (p.Lys287Gln)

Genes: FPGT-TNNI3K (FPGT-TNNI3K readthrough; plus strand), TNNI3K (TNNI3 interacting kinase; plus strand). Cytogenetic location: 1p31.1.
Variant type: single nucleotide variant.
Coding change: c.859A>C on transcript NM_015978.3 (MANE Select); coding-DNA position 859, A replaced by C.
Protein change: p.Lys287Gln; replaces lysine 287 with glutamine.
Molecular consequence: missense variant.
Genome position (GRCh38, 1-based): chr1:74,343,106, A>C. VCF-style: chr1-74343106-A-C. GRCh37 (hg19) VCF-style: chr1-74808790-A-C.
Other names: c.1162A>C, p.Lys388Gln (NM_001112808.3, NM_001199327.2); short protein forms K388Q, K287Q.
Identifiers: ClinVar variation 1345821 (VCV001345821.8), dbSNP rs200307603, ClinGen allele CA909043.

ClinVar aggregate classification (germline): Uncertain significance (1 of 4 stars; one submission).

Allele frequency attached by ClinVar (database versions not stated): gnomAD exomes 0.00002 and 0.00006; ExAC 0.00003; ESP Exome Variant Server 0.00008.
gnomAD v4.1: 86 of 1,613,408 alleles (0.0053%); highest among the groups gnomAD compares: Non-Finnish European, 0.0072%; no homozygotes.

Submission:

Labcorp Genetics (formerly Invitae), Labcorp
Classification: Uncertain significance. Last evaluated: 2025-12-09. Review status: criteria provided, single submitter. Criteria: Invitae Variant Classification Sherloc (09022015). Collection method: clinical testing. Allele origin: germline.
Comment: This sequence change replaces lysine, which is basic and polar, with glutamine, which is neutral and polar, at codon 287 of the TNNI3K protein (p.Lys287Gln). This variant is present in population databases (rs200307603, gnomAD 0.005%). This variant has not been reported in the literature in individuals affected with TNNI3K-related conditions. ClinVar contains an entry for this variant (Variation ID: 1345821). Invitae Evidence Modeling of protein sequence and biophysical properties (such as structural, functional, and spatial information, amino acid conservation, physicochemical variation, residue mobility, and thermodynamic stability) indicates that this missense variant is not expected to disrupt TNNI3K protein function with a negative predictive value of 80%. In summary, the available evidence is currently insufficient to determine the role of this variant in disease. Therefore, it has been classified as a Variant of Uncertain Significance.